The following is an entry in ClinVar:

NM_000284.4(PDHA1):c.666_667del (p.Cys222_Glu223delinsTer)

Gene: PDHA1 (pyruvate dehydrogenase E1 subunit alpha 1; plus strand). Cytogenetic location: Xp22.12.
Variant type: Microsatellite.
Coding change: c.666_667del on transcript NM_000284.4 (MANE Select); coding-DNA positions 666 to 667, 2 bases deleted (TG; older notation c.666_667delTG).
Protein change: p.Cys222_Glu223delinsTer.
Molecular consequence: nonsense.
Genome position (GRCh38, 1-based): chrX:19,355,411-19,355,412, TG deleted; deleting any 2 consecutive bases within chrX:19,355,409-19,355,412 gives the same sequence; the c. name uses the placement nearest the transcript's 3' end. VCF-style (leftmost placement, unchanged base first): chrX-19355408-CTG-C. GRCh37 (hg19) VCF-style: chrX-19373526-CTG-C.
Other names: c.687_688del, p.Cys229_Glu230delinsTer (NM_001173455.2); c.573_574del, p.Cys191_Glu192delinsTer (NM_001173456.2); c.780_781del, p.Cys260_Glu261delinsTer (NM_001173454.2).
Identifiers: ClinVar variation 4070355 (VCV004070355.1).
Genomic context (GRCh38, chrX:19,355,408, plus strand): 5'-GGGCCAGATATTCGAAGCTTACAACATGGCAGCTTTGTGGAAATTACCTTGTATTTTCAT[CTG>C]TGAGAATAATCGCTATGGAATGGGAACGTCTGTTGAGAGAGCGGCAGCCAGCACTGATTA-3'

ClinVar aggregate classification (germline): Pathogenic (0 of 4 stars; one submission).

Conditions:
Pyruvate dehydrogenase E1-alpha deficiency (PDHAD). Also called: ATAXIA, INTERMITTENT, WITH PYRUVATE DEHYDROGENASE DEFICIENCY; ATAXIA WITH LACTIC ACIDOSIS I; ATAXIA, INTERMITTENT, WITH ABNORMAL PYRUVATE METABOLISM; Ataxia, intermittent, with pyruvate dehydrogenase, or decarboxylase, deficiency. Identifiers: Orphanet 79243, MedGen C1839413, MONDO:0010717, OMIM 312170.

Submission:

PDHA1 Study Group, University Children’s Hospital, Paracelsus Medical University
Classification: Pathogenic for Pyruvate dehydrogenase E1-alpha deficiency. Last evaluated: 2024-10-15. Review status: no assertion criteria provided. Collection method: research. Allele origin: de novo. Affected: yes. Observed: 1 variant allele.
Comment: The NM_000284.3:c.666_667del (p.Cys222Ter) change is a nonsense variant in PDHA1 gene. This variant is predicted to result in nonsense-mediated decay (NMD). Among them, 1 case had confirmed de novo occurrence. The variant has been reported in 1 published case (PMIDs: 10679936). Last literature search: July 12, 2024. This variant is absent or extremely rare in population-based cohorts in the Genome Aggregation Database (gnomAD). Individuals harboring this variant presented with clinical features compatible with PDHA1-related PDHc deficiency. In summary, this variant meets criteria to be classified as pathogenic (P) for PDHA1-related PDHc deficiency based on the ACMG/AMP criteria applied: PVS1, PS2, PM2 (last assessment October 15, 2024).

Literature cited by the submitters: PubMed 10679936; DOI 10.1093/brain/awaf430.